The following is an entry in ClinVar:

ClinVar aggregate classification (germline): Uncertain significance (1 of 4 stars; one submission).

Submission:

GeneDx
Classification: Uncertain significance. Last evaluated: 2025-06-11. Review status: criteria provided, single submitter. Criteria: GeneDx Variant Classification Process June 2021. Collection method: clinical testing. Allele origin: germline. Affected: yes.
Comment: Not observed at significant frequency in large population cohorts (gnomAD); In silico analysis suggests that this missense variant does not alter protein structure/function; Has not been previously published as pathogenic or benign to our knowledge

NM_002815.4(PSMD11):c.382G>A (p.Ala128Thr)

Gene: PSMD11 (proteasome 26S subunit, non-ATPase 11; plus strand). Cytogenetic location: 17q11.2.
Variant type: single nucleotide variant.
Coding change: c.382G>A on transcript NM_002815.4 (MANE Select); coding-DNA position 382, G replaced by A.
Protein change: p.Ala128Thr; replaces alanine 128 with threonine.
Molecular consequence: missense variant.
Genome position (GRCh38, 1-based): chr17:32,464,112, G>A. VCF-style: chr17-32464112-G-A. GRCh37 (hg19) VCF-style: chr17-30791130-G-A.
Other names: c.382G>A, p.Ala128Thr (NM_001270482.2); short protein forms A128T.
Identifiers: ClinVar variation 4538061 (VCV004538061.1).